The following is an entry in ClinVar:

NM_000187.4(HGD):c.274C>A (p.Pro92Thr)

Gene: HGD (homogentisate 1,2-dioxygenase; minus strand). Cytogenetic location: 3q13.33.
Variant type: single nucleotide variant.
Coding change: c.274C>A on transcript NM_000187.4 (MANE Select); coding-DNA position 274, C replaced by A.
Protein change: p.Pro92Thr; replaces proline 92 with threonine.
Molecular consequence: missense variant.
Genome position (GRCh38, 1-based): chr3:120,670,435, G>T on the plus strand (C>A on the coding strand, the complement: HGD is on the minus strand). VCF-style: chr3-120670435-G-T. GRCh37 (hg19) VCF-style: chr3-120389282-G-T.
Other names: short protein forms P92T.
Identifiers: ClinVar variation 2626826 (VCV002626826.1), dbSNP rs2472785351, ClinGen allele CA354081048.

ClinVar aggregate classification (germline): Pathogenic (0 of 4 stars; one submission).

Conditions:
Alkaptonuria (AKU). Also called: Alkaptonuric ochronosis; Homogentisic acidura; Alcaptonuria; HOMOGENTISIC ACID OXIDASE DEFICIENCY. Identifiers: Orphanet 56, MedGen C0002066, MONDO:0008753, OMIM 203500.

Submission:

Department Of Human Genetics, Institute Of Clinical And Translational Research, Biomedical Research Center, Slovak Academy Of Sciences
Classification: Pathogenic for Alkaptonuria. Review status: no assertion criteria provided. Collection method: research. Allele origin: germline. Inheritance: Autosomal recessive inheritance. Affected: yes. Observed: 1 variant allele.
Comment: The variant was originally described in AKU patient in PMID:12501223. It has been submitted to the HGD gene mutation database (DB-ID: AKU_00021).

Literature cited by the submitters: PubMed 12501223.